The following is an entry in ClinVar:

ClinVar aggregate classification (germline): Benign. Review status: criteria provided, multiple submitters, no conflicts (2 of 4 stars). 3 submissions from 3 submitters: Benign (3). Last evaluated 2024-01-24.

Allele frequency attached by ClinVar (database versions not stated): 1000 Genomes Project 0.20068; 1000 Genomes Project 30x 0.20159; TOPMed 0.22202; gnomAD 0.23038 and 0.23248; gnomAD exomes 0.23506.
gnomAD v4.1: 327,073 of 1,393,566 alleles (23%); highest among the groups gnomAD compares: South Asian, 26%; 39,643 homozygotes.

Submissions (3):

Unidad de Genómica Garrahan, Hospital de Pediatría Garrahan
Classification: Benign. Last evaluated: 2024-01-24. Review status: criteria provided, single submitter. Criteria: ACMG Guidelines, 2015. Collection method: clinical testing. Allele origin: germline. Affected: no. Observed: 39 variant alleles.
Comment: This variant is classified as Benign based on local population frequency. This variant was detected in 41% of patients studied by a panel of primary immunodeficiencies. Number of patients: 39. Only high quality variants are reported.

GeneDx
Classification: Benign. Last evaluated: 2019-01-25. Review status: criteria provided, single submitter. Criteria: GeneDx Variant Classification Process June 2021. Collection method: clinical testing. Allele origin: germline. Affected: yes.

Breakthrough Genomics
Classification: Benign. Review status: criteria provided, single submitter. Criteria: ACMG Guidelines, 2015. Collection method: not provided. Allele origin: germline. Inheritance: Autosomal dominant inheritance. Affected: yes.

NM_013336.4(SEC61A1):c.221-53C>T

Gene: SEC61A1 (SEC61 translocon subunit alpha 1; plus strand). Cytogenetic location: 3q21.3.
Variant type: single nucleotide variant.
Coding change: c.221-53C>T on transcript NM_013336.4 (MANE Select); 53 bases into the intron before coding-DNA position 221, C replaced by T.
Molecular consequence: intron variant.
Genome position (GRCh38, 1-based): chr3:128,056,656, C>T. VCF-style: chr3-128056656-C-T. GRCh37 (hg19) VCF-style: chr3-127775499-C-T.
Identifiers: ClinVar variation 1245913 (VCV001245913.5), dbSNP rs9827421, ClinGen allele CA11482124.